The following is an entry in ClinVar:

ClinVar aggregate classification (germline): Benign/Likely benign. Review status: criteria provided, multiple submitters, no conflicts (2 of 4 stars). 17 submissions from 10 submitters: Benign (10); Likely benign (4). 3 of the submissions do not count toward it. Last evaluated 2026-01-19.

Conditions:
Dilated cardiomyopathy 1G (CMD1G). Identifiers: Orphanet 154, MedGen C1858763, MONDO:0011400, OMIM 604145.
Autosomal recessive limb-girdle muscular dystrophy type 2J (LGMDR10). Also called: Limb-girdle muscular dystrophy, type 2J; MUSCULAR DYSTROPHY, LIMB-GIRDLE, AUTOSOMAL RECESSIVE 10. Identifiers: Orphanet 140922, MedGen C1837342, MONDO:0012127, OMIM 608807.
Early-onset myopathy with fatal cardiomyopathy (CMYO5). Also called: CONGENITAL MYOPATHY 5 WITH CARDIOMYOPATHY; Salih Myopathy. Identifiers: Orphanet 289377, MedGen C2673677, MONDO:0012714, OMIM 611705. Disease mechanism: loss of function.
Myopathy, myofibrillar, 9, with early respiratory failure (MFM9). Also called: MYOPATHY, PROXIMAL, WITH EARLY RESPIRATORY MUSCLE INVOLVEMENT; Myopathy, distal, with early respiratory failure, autosomal dominant; Hereditary myopathy with early respiratory failure; EDSTROM MYOPATHY. Identifiers: Orphanet 178464, Orphanet 34521, MedGen C1863599, MONDO:0011362, OMIM 603689.
Tibial muscular dystrophy (TMD). Also called: Tibial muscular dystrophy, tardive; UDD MYOPATHY; Udd Distal Myopathy – Tibial Muscular Dystrophy. Identifiers: Orphanet 609, MedGen C1838244, MONDO:0010870, OMIM 600334.

Allele frequency attached by ClinVar (database versions not stated): gnomAD 0.00004 and 0.00066; TOPMed 0.00017; gnomAD exomes 0.00116 and 0.00264; 1000 Genomes Project 0.00300; 1000 Genomes Project 30x 0.00359; ExAC 0.00370.
gnomAD v4.1: 1,760 of 1,570,448 alleles (0.11%); highest among the groups gnomAD compares: South Asian, 1.8%; 45 homozygotes.

Submissions (17):

Labcorp Genetics (formerly Invitae), Labcorp
Classification: Benign for Dilated cardiomyopathy 1G; Autosomal recessive limb-girdle muscular dystrophy type 2J. Last evaluated: 2026-01-19. Review status: criteria provided, single submitter. Criteria: Invitae Variant Classification Sherloc (09022015). Collection method: clinical testing. Allele origin: germline.

ARUP Laboratories, Molecular Genetics and Genomics, ARUP Laboratories
Classification: Benign. Last evaluated: 2023-10-19. Review status: criteria provided, single submitter. Criteria: ARUP Molecular Germline Variant Investigation Process 2024. Collection method: clinical testing. Allele origin: germline.

Women's Health and Genetics/Laboratory Corporation of America, LabCorp
Classification: Benign. Last evaluated: 2023-05-22. Review status: criteria provided, single submitter. Criteria: LabCorp Variant Classification Summary - May 2015. Collection method: clinical testing. Allele origin: germline.

Genome-Nilou Lab
Classification: Benign for Autosomal recessive limb-girdle muscular dystrophy type 2J. Last evaluated: 2021-09-10. Review status: criteria provided, single submitter. Criteria: ACMG Guidelines, 2015. Collection method: clinical testing. Allele origin: germline. Affected: no.

Genome-Nilou Lab
Classification: Benign for Myopathy, myofibrillar, 9, with early respiratory failure. Last evaluated: 2021-09-10. Review status: criteria provided, single submitter. Criteria: ACMG Guidelines, 2015. Collection method: clinical testing. Allele origin: germline. Affected: no.

Genome-Nilou Lab
Classification: Benign for Early-onset myopathy with fatal cardiomyopathy. Last evaluated: 2021-09-10. Review status: criteria provided, single submitter. Criteria: ACMG Guidelines, 2015. Collection method: clinical testing. Allele origin: germline. Affected: no.

Genome-Nilou Lab
Classification: Benign for Tibial muscular dystrophy. Last evaluated: 2021-09-10. Review status: criteria provided, single submitter. Criteria: ACMG Guidelines, 2015. Collection method: clinical testing. Allele origin: germline. Affected: no.

Illumina Laboratory Services, Illumina
Classification: Benign for Tibial muscular dystrophy. Last evaluated: 2018-01-13. Review status: criteria provided, single submitter. Criteria: ICSL Variant Classification Criteria 13 December 2019. Collection method: clinical testing. Allele origin: germline.
Comment: This variant was observed in the ICSL laboratory as part of a predisposition screen in an ostensibly healthy population. It had not been previously curated by ICSL or reported in the Human Gene Mutation Database (HGMD: prior to June 1st, 2018), and was therefore a candidate for classification through an automated scoring system. Utilizing variant allele frequency, disease prevalence and penetrance estimates, and inheritance mode, an automated score was calculated to assess if this variant is too frequent to cause the disease. Based on the score and internal cut-off values, a variant classified as benign is not then subjected to further curation. The score for this variant resulted in a classification of benign for this disease.

Illumina Laboratory Services, Illumina
Classification: Likely benign for Early-onset myopathy with fatal cardiomyopathy. Last evaluated: 2018-01-13. Review status: criteria provided, single submitter. Criteria: ICSL Variant Classification Criteria 13 December 2019. Collection method: clinical testing. Allele origin: germline.
Comment: This variant was observed in the ICSL laboratory as part of a predisposition screen in an ostensibly healthy population. It had not been previously curated by ICSL or reported in the Human Gene Mutation Database (HGMD: prior to June 1st, 2018), and was therefore a candidate for classification through an automated scoring system. Utilizing variant allele frequency, disease prevalence and penetrance estimates, and inheritance mode, an automated score was calculated to assess if this variant is too frequent to cause the disease. Based on the score and internal cut-off values, a variant classified as likely benign is not then subjected to further curation. The score for this variant resulted in a classification of likely benign for this disease.

Illumina Laboratory Services, Illumina
Classification: Likely benign for Autosomal recessive limb-girdle muscular dystrophy type 2J. Last evaluated: 2018-01-13. Review status: criteria provided, single submitter. Criteria: ICSL Variant Classification Criteria 13 December 2019. Collection method: clinical testing. Allele origin: germline.
Comment: the same text as in the submission from Illumina Laboratory Services, Illumina above.

Illumina Laboratory Services, Illumina
Classification: Benign for Myopathy, myofibrillar, 9, with early respiratory failure. Last evaluated: 2018-01-13. Review status: criteria provided, single submitter. Criteria: ICSL Variant Classification Criteria 13 December 2019. Collection method: clinical testing. Allele origin: germline.
Comment: the same text as in the submission from Illumina Laboratory Services, Illumina above.

Illumina Laboratory Services, Illumina
Classification: Likely benign for Dilated cardiomyopathy 1G. Last evaluated: 2018-01-13. Review status: criteria provided, single submitter. Criteria: ICSL Variant Classification Criteria 13 December 2019. Collection method: clinical testing. Allele origin: germline.
Comment: the same text as in the submission from Illumina Laboratory Services, Illumina above.

GeneDx
Classification: Benign. Last evaluated: 2016-03-31. Review status: criteria provided, single submitter. Criteria: GeneDx Variant Classification (06012015). Collection method: clinical testing. Allele origin: germline. Affected: yes.
Comment: This variant is considered likely benign or benign based on one or more of the following criteria: it is a conservative change, it occurs at a poorly conserved position in the protein, it is predicted to be benign by multiple in silico algorithms, and/or has population frequency not consistent with disease.

Laboratory for Molecular Medicine, Mass General Brigham Personalized Medicine
Classification: Likely benign. Last evaluated: 2014-09-24. Review status: criteria provided, single submitter. Criteria: LMM Criteria. Collection method: clinical testing. Allele origin: germline. Observed: 6 variant alleles.
Comment: c.20495-15C>T in intron 81 of TTN: This variant is not expected to have clinical significance because a C>T change at this position does not diverge from the sp lice consensus sequence and is therefore unlikely to impact splicing.

Clinical Genetics, Academic Medical Center
Classification: Benign. Review status: no assertion criteria provided. Collection method: clinical testing. Allele origin: germline. Affected: yes. Study: VKGL Data-share Consensus. Not counted in ClinVar's aggregate classification.

Genome Diagnostics Laboratory, University Medical Center Utrecht
Classification: Benign. Review status: no assertion criteria provided. Collection method: clinical testing. Allele origin: germline. Affected: yes. Study: VKGL Data-share Consensus. Not counted in ClinVar's aggregate classification.

Laboratory of Diagnostic Genome Analysis, Leiden University Medical Center (LUMC)
Classification: Likely benign. Review status: no assertion criteria provided. Collection method: clinical testing. Allele origin: germline. Affected: yes. Study: VKGL Data-share Consensus. Not counted in ClinVar's aggregate classification.

NM_001267550.2(TTN):c.24227-15C>T

Gene: TTN (titin; minus strand). Cytogenetic location: 2q31.2.
Variant type: single nucleotide variant.
Coding change: c.24227-15C>T on transcript NM_001267550.2 (MANE Select); 15 bases into the intron before coding-DNA position 24227, C replaced by T.
Molecular consequence: intron variant.
Genome position (GRCh38, 1-based): chr2:178,718,988, G>A on the plus strand (C>T on the coding strand, the complement: TTN is on the minus strand). VCF-style: chr2-178718988-G-A. GRCh37 (hg19) VCF-style: chr2-179583715-G-A.
Other names: c.13282+19094C>T (NM_003319.4); c.13858+19094C>T (NM_133437.4); c.13657+19094C>T (NM_133432.3); c.20495-15C>T (NM_133378.4); c.23276-15C>T (NM_001256850.1).
Identifiers: ClinVar variation 46728 (VCV000046728.29), dbSNP rs397517505, ClinGen allele CA139061.